The following is an entry in ClinVar:

NM_006118.4(HAX1):c.745C>A (p.Pro249Thr)

Gene: HAX1 (HCLS1 associated protein X-1; plus strand). Cytogenetic location: 1q21.3.
Variant type: single nucleotide variant.
Coding change: c.745C>A on transcript NM_006118.4 (MANE Select); coding-DNA position 745, C replaced by A.
Protein change: p.Pro249Thr; replaces proline 249 with threonine.
Molecular consequence: missense variant.
Genome position (GRCh38, 1-based): chr1:154,275,474, C>A. VCF-style: chr1-154275474-C-A. GRCh37 (hg19) VCF-style: chr1-154247950-C-A.
Other names: c.601C>A, p.Pro201Thr (NM_001018837.2); short protein forms P201T, P249T.
Identifiers: ClinVar variation 4269034 (VCV004269034.1).

ClinVar aggregate classification (germline): Uncertain significance (1 of 4 stars; one submission).

Conditions:
Inborn genetic diseases. Identifiers: MedGen C0950123, MeSH D030342.

Submission:

Ambry Genetics
Classification: Uncertain significance for Inborn genetic diseases. Last evaluated: 2025-07-25. Review status: criteria provided, single submitter. Criteria: Ambry Variant Classification Scheme 2023. Collection method: clinical testing. Allele origin: germline.
Comment: The p.P249T variant (also known as c.745C>A), located in coding exon 6 of the HAX1 gene, results from a C to A substitution at nucleotide position 745. The proline at codon 249 is replaced by threonine, an amino acid with highly similar properties. This amino acid position is conserved. In addition, this alteration is predicted to be tolerated by in silico analysis. Based on the available evidence, the clinical significance of this variant remains unclear.